The following is an entry in ClinVar:

NM_001318852.2(MAPK8IP3):c.3990G>T (p.Trp1330Cys)

Gene: MAPK8IP3 (mitogen-activated protein kinase 8 interacting protein 3; plus strand). Cytogenetic location: 16p13.3.
Variant type: single nucleotide variant.
Coding change: c.3990G>T on transcript NM_001318852.2 (MANE Select); coding-DNA position 3990, G replaced by T.
Protein change: p.Trp1330Cys; replaces tryptophan 1330 with cysteine.
Molecular consequence: missense variant.
Genome position (GRCh38, 1-based): chr16:1,768,800, G>T. VCF-style: chr16-1768800-G-T. GRCh37 (hg19) VCF-style: chr16-1818801-G-T.
Other names: c.3969G>T, p.Trp1323Cys (NM_001040439.2); c.3987G>T, p.Trp1329Cys (NM_015133.5, NM_033392.3); short protein forms W1323C, W1329C, W1330C.
Identifiers: ClinVar variation 3123334 (VCV003123334.1), dbSNP rs2042443198, ClinGen allele CA394240340.
Genomic context (GRCh38, chr16:1,768,800, plus strand): 5'-GGACATGAGCCAGGTGAAGCCCGTGCTGTCCAAGGCAGAGCGCAGTCACATCATCGTGTG[G>T]CAGGTGTCCTACACCCCCGAGTGAAGCTGCTGCCCTGCCTGGCCCGACCTGTACATAGGA-3'
Protein context (NP_001305781.1, residues 1320-1337): SKAERSHIIV[Trp1330Cys]QVSYTPE

ClinVar aggregate classification (germline): Uncertain significance (1 of 4 stars; one submission).

Conditions:
Inborn genetic diseases. Identifiers: MedGen C0950123, MeSH D030342.

Allele frequency attached by ClinVar (database versions not stated): gnomAD exomes below 0.00001; TOPMed below 0.00001.
gnomAD v4.1: 1 of 1,612,556 alleles (0.000062%); highest among the groups gnomAD compares: Non-Finnish European, 0.000085%; no homozygotes.

Submission:

Ambry Genetics
Classification: Uncertain significance for Inborn genetic diseases. Last evaluated: 2023-10-03. Review status: criteria provided, single submitter. Criteria: Ambry Variant Classification Scheme 2023. Collection method: clinical testing. Allele origin: germline.
Comment: The c.3987G>T (p.W1329C) alteration is located in exon 32 (coding exon 32) of the MAPK8IP3 gene. This alteration results from a G to T substitution at nucleotide position 3987, causing the tryptophan (W) at amino acid position 1329 to be replaced by a cysteine (C). This variant was not reported in population-based cohorts in the Genome Aggregation Database (gnomAD). This amino acid position is well conserved in available vertebrate species. The in silico prediction for this alteration is inconclusive. Based on insufficient or conflicting evidence, the clinical significance of this alteration remains unclear.